The following is an entry in ClinVar:

NM_004006.3(DMD):c.5637G>A (p.Trp1879Ter)

Gene: DMD (dystrophin; minus strand). Cytogenetic location: Xp21.1.
Variant type: single nucleotide variant.
Coding change: c.5637G>A on transcript NM_004006.3 (MANE Select); coding-DNA position 5637, G replaced by A.
Protein change: p.Trp1879Ter; replaces tryptophan 1879 with a stop codon.
Molecular consequence: nonsense.
Genome position (GRCh38, 1-based): chrX:32,343,236, C>T on the plus strand (G>A on the coding strand, the complement: DMD is on the minus strand). VCF-style: chrX-32343236-C-T. GRCh37 (hg19) VCF-style: chrX-32361353-C-T.
Other names: c.5613G>A, p.Trp1871Ter (NM_000109.4); c.5625G>A, p.Trp1875Ter (NM_004009.3); c.5268G>A, p.Trp1756Ter (NM_004010.3); c.1614G>A, p.Trp538Ter (NM_004011.4); c.1605G>A, p.Trp535Ter (NM_004012.4); short protein forms W1756*, W1871*, W1875*, W1879*, W535*, W538*.
Identifiers: ClinVar variation 3381849 (VCV003381849.2), dbSNP rs865856945.

ClinVar aggregate classification (germline): Pathogenic (1 of 4 stars; one submission).

Conditions:
Duchenne muscular dystrophy (DMD). Also called: Duchenne Muscular Dystrophy (DMD); MUSCULAR DYSTROPHY, PSEUDOHYPERTROPHIC PROGRESSIVE, DUCHENNE TYPE. Identifiers: Orphanet 98896, MedGen C0013264, MONDO:0010679, OMIM 310200.
Becker muscular dystrophy (BMD). Also called: MUSCULAR DYSTROPHY, PSEUDOHYPERTROPHIC PROGRESSIVE, BECKER TYPE; Becker Muscular Dystrophy (BMD). Identifiers: Orphanet 98895, MedGen C0917713, MONDO:0010311, OMIM 300376.
Dilated cardiomyopathy 3B (CMD3B). Also called: CMD3B: DMD-Related Dilated Cardiomyopathy; CARDIOMYOPATHY, DILATED, X-LINKED; DMD-Associated Dilated Cardiomyopathy. Identifiers: Orphanet 154, MedGen C3668940, MONDO:0010542, OMIM 302045.

Submission:

Juno Genomics, Hangzhou Juno Genomics, Inc
Classification: Pathogenic for Becker muscular dystrophy; Dilated cardiomyopathy 3B; Duchenne muscular dystrophy. Review status: criteria provided, single submitter. Criteria: ACMG Guidelines, 2015. Collection method: clinical testing. Allele origin: germline. Affected: yes.
Comment: Absent from controls (or at extremely low frequency if recessive) in Genome Aggregation Database, Exome Sequencing Project, 1000 Genomes Project, or Exome Aggregation Consortium.;Null variant in a gene where loss of function (LOF) is a known mechanism of disease.